The following is an entry in ClinVar:

ClinVar aggregate classification (germline): Likely benign (1 of 4 stars; one submission).

gnomAD v4.1: 48 of 1,610,652 alleles (0.003%); highest among the groups gnomAD compares: African/African-American, 0.036%; 1 homozygote.

Submission:

CeGaT Center for Human Genetics Tuebingen
Classification: Likely benign. Last evaluated: 2024-09-01. Review status: criteria provided, single submitter. Criteria: CeGaT Center For Human Genetics Tuebingen Variant Classification Criteria Version 2. Collection method: clinical testing. Allele origin: germline. Affected: yes. Observed: 1 variant allele.
Comment: GLS: BP4, BP7

NM_014905.5(GLS):c.1479C>G (p.Pro493=)

Gene: GLS (glutaminase; plus strand). Cytogenetic location: 2q32.2.
Variant type: single nucleotide variant.
Coding change: c.1479C>G on transcript NM_014905.5 (MANE Select); coding-DNA position 1479, C replaced by G.
Protein change: p.Pro493=; no amino-acid change (proline 493 retained).
Molecular consequence: synonymous variant.
Genome position (GRCh38, 1-based): chr2:190,930,490, C>G. VCF-style: chr2-190930490-C-G. GRCh37 (hg19) VCF-style: chr2-191795216-C-G.
Other names: c.1479C>G, p.Pro493= (NM_001256310.2).
Identifiers: ClinVar variation 3390338 (VCV003390338.14).